The following is an entry in ClinVar:

NM_000038.6(APC):c.439dup (p.Asp147fs)

Gene: APC (APC regulator of Wnt signaling pathway; plus strand). Cytogenetic location: 5q22.2.
Variant type: Duplication.
Coding change: c.439dup on transcript NM_000038.6 (MANE Select); coding-DNA position 439, one base duplicated (G; older notation c.439dupG).
Protein change: p.Asp147fs; shifts the reading frame from aspartic acid 147.
Molecular consequence: frameshift variant. On other transcripts: 5 prime UTR variant (4), non-coding transcript variant (2).
Genome position (GRCh38, 1-based): chr5:112,775,645, G duplicated. VCF-style (leftmost placement, unchanged base first): chr5-112775644-T-TG. GRCh37 (hg19) VCF-style: chr5-112111341-T-TG.
Other names: c.439dup, p.Asp147fs (NM_001407467.1, NM_001407469.1, NM_001127510.3 and 16 more transcripts); c.-597dup (NM_001407470.1, NM_001407471.1, NM_001407472.1 and 1 more transcripts); c.469dup, p.Asp157fs (NM_001127511.3, NM_001354897.2, NM_001354902.2 and 1 more transcripts); c.364dup, p.Asp122fs (NM_001354898.2, NM_001354904.2, NM_001407451.1); c.262dup, p.Asp88fs (NM_001354900.2, NM_001354901.2, NM_001354905.2 and 1 more transcripts); short protein forms D122fs, D147fs, D157fs, D88fs.
Identifiers: ClinVar variation 2584035 (VCV002584035.2), dbSNP rs2532411247, ClinGen allele CA2582341328.

ClinVar aggregate classification (germline): Pathogenic (1 of 4 stars; one submission).

Conditions:
Familial adenomatous polyposis 1 (FAP1). Also called: FAMILIAL ADENOMATOUS POLYPOSIS 1, ATTENUATED; POLYPOSIS, ADENOMATOUS INTESTINAL. Identifiers: MedGen C2713442, MONDO:0021056, OMIM 175100. Disease mechanism: loss of function.

Submission:

Myriad Genetics, Inc.
Classification: Pathogenic for Familial adenomatous polyposis 1. Last evaluated: 2023-04-25. Review status: criteria provided, single submitter. Criteria: Myriad Autosomal Dominant, Autosomal Recessive and X-Linked Classification Criteria (2023). Collection method: clinical testing. Allele origin: unknown.
Comment: This variant is considered pathogenic. This variant creates a frameshift predicted to result in premature protein truncation.